The following is an entry in ClinVar:

NM_001308093.3(GATA4):c.1289G>A (p.Ser430Asn)

Gene: GATA4 (GATA binding protein 4). Cytogenetic location: 8p23.1.
Variant type: single nucleotide variant.
Coding change: c.1289G>A on transcript NM_001308093.3 (MANE Select); coding-DNA position 1289, G replaced by A.
Protein change: p.Ser430Asn; replaces serine 430 with asparagine.
Molecular consequence: missense variant.
Genome position (GRCh38, 1-based): chr8:11,758,432, G>A. VCF-style: chr8-11758432-G-A. GRCh37 (hg19) VCF-style: chr8-11615941-G-A.
Other names: c.668G>A, p.Ser223Asn (NM_001308094.2, NM_001374273.1); c.542G>A, p.Ser181Asn (NM_001374274.1); c.1286G>A, p.Ser429Asn (NM_002052.5); short protein forms S429N, S430N, S181N, S223N.
Identifiers: ClinVar variation 2100768 (VCV002100768.4), dbSNP rs2486051732, ClinGen allele CA370315812.

ClinVar aggregate classification (germline): Uncertain significance (1 of 4 stars; one submission).

Conditions:
Atrioventricular septal defect 4 (AVSD4). Identifiers: MedGen C3280781, MONDO:0013747, OMIM 614430.

Submission:

Labcorp Genetics (formerly Invitae), Labcorp
Classification: Uncertain significance for Atrioventricular septal defect 4. Last evaluated: 2022-02-23. Review status: criteria provided, single submitter. Criteria: Invitae Variant Classification Sherloc (09022015). Collection method: clinical testing. Allele origin: germline.
Comment: In summary, the available evidence is currently insufficient to determine the role of this variant in disease. Therefore, it has been classified as a Variant of Uncertain Significance. Algorithms developed to predict the effect of missense changes on protein structure and function (SIFT, PolyPhen-2, Align-GVGD) all suggest that this variant is likely to be tolerated. This variant has not been reported in the literature in individuals affected with GATA4-related conditions. This variant is not present in population databases (gnomAD no frequency). This sequence change replaces serine, which is neutral and polar, with asparagine, which is neutral and polar, at codon 429 of the GATA4 protein (p.Ser429Asn).